The following is an entry in ClinVar:

ClinVar aggregate classification (germline): Uncertain significance. Review status: criteria provided, multiple submitters, no conflicts (2 of 4 stars). 2 submissions from 2 submitters: Uncertain significance (2). Last evaluated 2025-09-26.

Conditions:
Polycystic kidney disease, adult type (PKD1). Also called: Polycystic Kidney Disease 1, Autosomal Dominant; Polycystic kidney disease 1; Polycystic kidney disease 1, severe; Polycystic Kidney, Autosomal Dominant; POLYCYSTIC KIDNEY DISEASE 1 WITH OR WITHOUT POLYCYSTIC LIVER DISEASE; POLYCYSTIC KIDNEY DISEASE, ADULT, TYPE I. Identifiers: MedGen C3149841, MONDO:0008263, OMIM 173900.
PKD1-related disorder. Also called: PKD1-related condition.

Submissions (2):

PreventionGenetics, part of Exact Sciences
Classification: Uncertain significance for PKD1-related condition. Last evaluated: 2025-09-26. Review status: criteria provided, single submitter. Criteria: ACMG Guidelines, 2015. Collection method: clinical testing. Allele origin: germline.
Comment: The PKD1 c.1162G>T variant is predicted to result in the amino acid substitution p.Ala388Ser. To our knowledge, this variant has not been reported in the literature. This variant is reported in 0.0087% of alleles in individuals of South Asian descent in gnomAD; however, the quality of this data is questionable and should be treated with caution. At this time, the clinical significance of this variant is uncertain due to the absence of conclusive functional and genetic evidence.

Department of Pathology and Laboratory Medicine, Sinai Health System
Classification: Uncertain significance for Polycystic kidney disease, adult type. Last evaluated: 2022-12-01. Review status: criteria provided, single submitter. Criteria: ACMG Guidelines, 2015. Collection method: clinical testing. Allele origin: germline. Affected: yes.

NM_001009944.3(PKD1):c.1162G>T (p.Ala388Ser)

Gene: PKD1 (polycystin 1, transient receptor potential channel interacting; minus strand). Cytogenetic location: 16p13.3.
Variant type: single nucleotide variant.
Coding change: c.1162G>T on transcript NM_001009944.3 (MANE Select); coding-DNA position 1162, G replaced by T.
Protein change: p.Ala388Ser; replaces alanine 388 with serine.
Molecular consequence: missense variant.
Genome position (GRCh38, 1-based): chr16:2,117,830, C>A on the plus strand (G>T on the coding strand, the complement: PKD1 is on the minus strand). VCF-style: chr16-2117830-C-A. GRCh37 (hg19) VCF-style: chr16-2167831-C-A.
Other names: c.1162G>T, p.Ala388Ser (NM_000296.4); short protein forms A388S.
Identifiers: ClinVar variation 2629353 (VCV002629353.3), dbSNP rs772111757, ClinGen allele CA7833590.
Genomic context (GRCh38, chr16:2,117,830, plus strand): 5'-GAGTGGGCAGCAGACACTCACCTCGGGCCGGCTCCTCGCCCAGGGCCACGATGCTGTAGG[C>A]GGCCTCCAGGCCTGAACCACCGCGGTTCTGGATGCTGAGGTCGAGGCTCTCGTCACTCTG-3'
Protein context (NP_001009944.3, residues 378-398): QNRGGSGLEA[Ala388Ser]YSIVALGEEP